The following is an entry in ClinVar:

ClinVar aggregate classification (germline): Uncertain significance (1 of 4 stars; one submission).

Conditions:
2-aminoadipic 2-oxoadipic aciduria (AAKAD). Also called: ALPHA-AMINOADIPIC AND ALPHA-KETOADIPIC ACIDURIA; Aminoadipic aciduria. Identifiers: Orphanet 79154, MedGen C1859817, MONDO:0008774, OMIM 204750.

Allele frequency attached by ClinVar (database versions not stated): gnomAD exomes below 0.00001; gnomAD 0.00001; ExAC 0.00002; TOPMed 0.00002; ESP Exome Variant Server 0.00008.
gnomAD v4.1: 3 of 1,613,720 alleles (0.00019%); highest among the groups gnomAD compares: African/African-American, 0.004%; no homozygotes.

Submission:

Labcorp Genetics (formerly Invitae), Labcorp
Classification: Uncertain significance for 2-aminoadipic 2-oxoadipic aciduria. Last evaluated: 2022-04-09. Review status: criteria provided, single submitter. Criteria: Invitae Variant Classification Sherloc (09022015). Collection method: clinical testing. Allele origin: germline.
Comment: In summary, the available evidence is currently insufficient to determine the role of this variant in disease. Therefore, it has been classified as a Variant of Uncertain Significance. Algorithms developed to predict the effect of missense changes on protein structure and function (SIFT, PolyPhen-2, Align-GVGD) all suggest that this variant is likely to be disruptive. This variant has not been reported in the literature in individuals affected with DHTKD1-related conditions. This variant is present in population databases (rs372611695, gnomAD 0.01%). This sequence change replaces asparagine, which is neutral and polar, with serine, which is neutral and polar, at codon 366 of the DHTKD1 protein (p.Asn366Ser).

NM_018706.7(DHTKD1):c.1097A>G (p.Asn366Ser)

Gene: DHTKD1 (dehydrogenase E1 and transketolase domain containing 1; plus strand). Cytogenetic location: 10p14.
Variant type: single nucleotide variant.
Coding change: c.1097A>G on transcript NM_018706.7 (MANE Select); coding-DNA position 1097, A replaced by G.
Protein change: p.Asn366Ser; replaces asparagine 366 with serine.
Molecular consequence: missense variant.
Genome position (GRCh38, 1-based): chr10:12,091,622, A>G. VCF-style: chr10-12091622-A-G. GRCh37 (hg19) VCF-style: chr10-12133621-A-G.
Other names: short protein forms N366S.
Identifiers: ClinVar variation 2140778 (VCV002140778.4), dbSNP rs372611695, ClinGen allele CA5407745.